The following is an entry in ClinVar:

ClinVar aggregate classification (germline): Pathogenic. Review status: criteria provided, multiple submitters, no conflicts (2 of 4 stars). 2 submissions from 2 submitters: Pathogenic (2). Last evaluated 2025-01-05.

Conditions:
Hereditary hyperinsulinism.

Submissions (2):

Natera, Inc.
Classification: Pathogenic for Hereditary hyperinsulinism. Last evaluated: 2025-01-05. Review status: criteria provided, single submitter. Criteria: Natera Variant Classification Schema (03/2026). Collection method: clinical testing. Allele origin: germline.
Comment: The c.81dup variant in ABCC8 is a frameshift variant predicted to shift the reading frame beginning at codon 28 and leads to a stop codon 61 codons downstream. This variant is expected to result in nonsense mediated decay, truncation, or a dysfunctional protein product. This variant is rare in the general population with a frequency below the threshold expected for the associated phenotype(s). This variant has been observed in one or more individuals affected with the associated recessive disease, as either homozygous or compound heterozygous with a second variant (PMID: 23275527). Given the available evidence, this variant is classified as Pathogenic.

Labcorp Genetics (formerly Invitae), Labcorp
Classification: Pathogenic. Last evaluated: 2021-10-08. Review status: criteria provided, single submitter. Criteria: Invitae Variant Classification Sherloc (09022015). Collection method: clinical testing. Allele origin: germline.
Comment: For these reasons, this variant has been classified as Pathogenic. This premature translational stop signal has been observed in individual(s) with hyperinsulinism (PMID: 23275527). This variant is not present in population databases (ExAC no frequency). This sequence change creates a premature translational stop signal (p.Val28Cysfs*61) in the ABCC8 gene. It is expected to result in an absent or disrupted protein product. Loss-of-function variants in ABCC8 are known to be pathogenic (PMID: 20685672, 23345197).

Literature cited by the submitters: PubMed 23275527 (cited by Natera, Inc. and Labcorp Genetics (formerly Invitae), Labcorp); PubMed 20685672 (cited by Labcorp Genetics (formerly Invitae), Labcorp); PubMed 23345197 (cited by Labcorp Genetics (formerly Invitae), Labcorp).

NM_000352.6(ABCC8):c.81dup (p.Val28fs)

Gene: ABCC8 (ATP binding cassette subfamily C member 8; minus strand). Cytogenetic location: 11p15.1.
Variant type: Duplication.
Coding change: c.81dup on transcript NM_000352.6 (MANE Select); coding-DNA position 81, one base duplicated (T; older notation c.81dupT).
Protein change: p.Val28fs; shifts the reading frame from valine 28.
Molecular consequence: frameshift variant. On other transcripts: non-coding transcript variant (1).
Genome position (GRCh38, 1-based): chr11:17,476,696, A duplicated on the plus strand (T on the coding strand, the reverse complement: ABCC8 is on the minus strand); the first of 3 consecutive A bases (chr11:17,476,696-17,476,698); duplicating any one gives the same sequence. VCF-style (leftmost placement, unchanged base first): chr11-17476695-C-CA. GRCh37 (hg19) VCF-style: chr11-17498242-C-CA.
Other names: c.81dup (NM_000352.4); c.81dup, p.Val28fs (NM_001287174.3, NM_001351295.2, NM_001351296.2 and 1 more transcripts); short protein forms V28fs.
Identifiers: ClinVar variation 1457755 (VCV001457755.8), dbSNP rs2133737748, ClinGen allele CA2573146094.
Genomic context (GRCh38, chr11:17,476,695, plus strand): 5'-AGAGGATGGGGAAGGTGATGAAGAGTAGGAAGACGTGCGGCACCACGTTGAGCGCGTCCA[C>CA]AAAGCAGCCGTTGTTGAGGACCCCCTGGTCCACCCGGTAGGCGGCCGAGTGGTTCTCGCT-3'